The following is an entry in ClinVar:

ClinVar aggregate classification (germline): Likely benign. Review status: criteria provided, multiple submitters, no conflicts (2 of 4 stars). 2 submissions from 2 submitters: Likely benign (2). Last evaluated 2025-11-24.

Allele frequency attached by ClinVar (database versions not stated): gnomAD exomes 0.00002 and 0.00003; TOPMed 0.00002; gnomAD 0.00003 and 0.00004.
gnomAD v4.1: 40 of 1,613,252 alleles (0.0025%); highest among the groups gnomAD compares: Non-Finnish European, 0.0031%; no homozygotes.

Submissions (2):

Labcorp Genetics (formerly Invitae), Labcorp
Classification: Likely benign. Last evaluated: 2025-11-24. Review status: criteria provided, single submitter. Criteria: Invitae Variant Classification Sherloc (09022015). Collection method: clinical testing. Allele origin: germline.

CeGaT Center for Human Genetics Tuebingen
Classification: Likely benign. Last evaluated: 2025-11-01. Review status: criteria provided, single submitter. Criteria: CeGaT Center For Human Genetics Tuebingen Variant Classification Criteria Version 2. Collection method: clinical testing. Allele origin: germline. Affected: yes. Observed: 1 variant allele.
Comment: KCNQ5: BP4, BP7

NM_019842.4(KCNQ5):c.1488T>C (p.Thr496=)

Gene: KCNQ5 (potassium voltage-gated channel subfamily Q member 5; plus strand). Cytogenetic location: 6q13.
Variant type: single nucleotide variant.
Coding change: c.1488T>C on transcript NM_019842.4 (MANE Select); coding-DNA position 1488, T replaced by C.
Protein change: p.Thr496=; no amino-acid change (threonine 496 retained).
Molecular consequence: synonymous variant. On other transcripts: intron variant (1).
Genome position (GRCh38, 1-based): chr6:73,169,765, T>C. VCF-style: chr6-73169765-T-C. GRCh37 (hg19) VCF-style: chr6-73879488-T-C.
Other names: c.1461T>C, p.Thr487= (NM_001160130.2); c.1518T>C, p.Thr506= (NM_001160132.2); c.1545T>C, p.Thr515= (NM_001160133.2); c.1248-20808T>C (NM_001160134.2).
Identifiers: ClinVar variation 1626816 (VCV001626816.14), dbSNP rs1279949744, ClinGen allele CA450878051.